The following is an entry in ClinVar:

NM_000521.4(HEXB):c.899_900dup (p.Gly301fs)

Gene: HEXB (hexosaminidase subunit beta; plus strand). Cytogenetic location: 5q13.3.
Variant type: Duplication.
Coding change: c.899_900dup on transcript NM_000521.4 (MANE Select); coding-DNA positions 899 to 900, 2 bases duplicated (AA; older notation c.899_900dupAA).
Protein change: p.Gly301fs; shifts the reading frame from glycine 301.
Molecular consequence: frameshift variant.
Genome position (GRCh38, 1-based): chr5:74,713,633-74,713,634, AA duplicated; duplicating any 2 consecutive bases within chr5:74,713,631-74,713,634 gives the same sequence; the c. name uses the placement nearest the transcript's 3' end. VCF-style (leftmost placement, unchanged base first): chr5-74713630-G-GAA. GRCh37 (hg19) VCF-style: chr5-74009455-G-GAA.
Other names: c.224_225dup, p.Gly76fs (NM_001292004.2); c.899_900dupAA (NM_000521.3); short protein forms G301fs, G76fs.
Identifiers: ClinVar variation 3775774 (VCV003775774.2).

ClinVar aggregate classification (germline): Pathogenic/Likely pathogenic. Review status: criteria provided, multiple submitters, no conflicts (2 of 4 stars). 2 submissions from 2 submitters: Pathogenic (1); Likely pathogenic (1). Last evaluated 2024-06-20.

Conditions:
Sandhoff disease. Also called: Beta-hexosaminidase-beta-subunit deficiency; GM2 gangliosidosis, type 2; Total hexosaminidase deficiency; Sandhoff-Jatzkewitz-Pilz disease; GM2-GANGLIOSIDOSIS, TYPE II; HEXOSAMINIDASES A AND B DEFICIENCY. Identifiers: Orphanet 796, MedGen C0036161, MONDO:0010006, OMIM 268800.

Submissions (2):

Natera, Inc.
Classification: Likely pathogenic for Sandhoff disease. Last evaluated: 2024-06-20. Review status: criteria provided, single submitter. Criteria: Natera Variant Classification Schema (03/2026). Collection method: clinical testing. Allele origin: germline.
Comment: The c.899_900dupAA variant in HEXB is a frameshift variant predicted to shift the reading frame beginning at codon 301 and leads to a stop codon 7 codons downstream. This variant is expected to result in nonsense mediated decay, truncation, or a dysfunctional protein product. This variant is rare in the general population with a frequency below the threshold expected for the associated phenotype(s). Given the available evidence, this variant is classified as Likely Pathogenic.

3billion
Classification: Pathogenic for Sandhoff disease. Last evaluated: 2023-12-02. Review status: criteria provided, single submitter. Criteria: ACMG Guidelines, 2015. Collection method: clinical testing. Allele origin: germline. Affected: yes.
Comment: The variant is observed at an extremely low frequency in the gnomAD v2.1.1 dataset (total allele frequency: <0.001%). Predicted Consequence/Location: Frameshift: predicted to result in a loss or disruption of normal protein function through nonsense-mediated decay (NMD) or protein truncation. Multiple pathogenic variants are reported downstream of the variant. Therefore, this variant is classified as Pathogenic according to the recommendation of ACMG/AMP guideline.